The following is an entry in ClinVar:

NM_000384.3(APOB):c.11569G>C (p.Val3857Leu)

Gene: APOB (apolipoprotein B; minus strand). Cytogenetic location: 2p24.1.
Variant type: single nucleotide variant.
Coding change: c.11569G>C on transcript NM_000384.3 (MANE Select); coding-DNA position 11569, G replaced by C.
Protein change: p.Val3857Leu; replaces valine 3857 with leucine.
Molecular consequence: missense variant.
Genome position (GRCh38, 1-based): chr2:21,005,299, C>G on the plus strand (G>C on the coding strand, the complement: APOB is on the minus strand). VCF-style: chr2-21005299-C-G. GRCh37 (hg19) VCF-style: chr2-21228171-C-G.
Other names: short protein forms V3857L.
Identifiers: ClinVar variation 918376 (VCV000918376.6), dbSNP rs145655926, ClinGen allele CA345978024.
Genomic context (GRCh38, chr2:21,005,299, plus strand): 5'-TGACAATTCCAGCAGGTACAGAGAACTTAATGGAGGGAATCTCAATGGTCTGCTCAGGCA[C>G]GATGATGGTGGGCAACTCAAAGTCTGCGATCTTGTTGGCTACTGCATTTAGATCCAAAGC-3'
Protein context (NP_000375.3, residues 3847-3867): IADFELPTII[Val3857Leu]PEQTIEIPSI

ClinVar aggregate classification (germline): Uncertain significance (1 of 4 stars; one submission).

Conditions:
Familial hypobetalipoproteinemia 1. Also called: Hypobetalipoproteinemia, normotriglyceridemic; Acanthocytosis with hypobetalipoproteinemia; APOB-Related Familial Hypobetalipoproteinemia. Identifiers: MedGen C4551990, MONDO:0014252, OMIM 615558.
Hypercholesterolemia, autosomal dominant, type B (FHCL2). Also called: Familial Hypercholesterolemia Type B; HYPERCHOLESTEROLEMIA, FAMILIAL, DUE TO LIGAND-DEFECTIVE APOLIPOPROTEIN B; Familial hypercholesterolemia 2; APOB-Related Familial Hypercholesterolemia, Autosomal Dominant; APOLIPOPROTEIN B-100, FAMILIAL DEFECTIVE; APOLIPOPROTEIN B-100, FAMILIAL LIGAND-DEFECTIVE. Identifiers: MedGen C1704417, MONDO:0007751, OMIM 144010.

gnomAD v4.1: 1 of 1,614,024 alleles (0.000062%); highest among the groups gnomAD compares: Non-Finnish European, 0.000085%; no homozygotes.

Submission:

Labcorp Genetics (formerly Invitae), Labcorp
Classification: Uncertain significance for Familial hypobetalipoproteinemia 1; Hypercholesterolemia, autosomal dominant, type B. Last evaluated: 2021-11-20. Review status: criteria provided, single submitter. Criteria: Invitae Variant Classification Sherloc (09022015). Collection method: clinical testing. Allele origin: germline.
Comment: This sequence change replaces valine, which is neutral and non-polar, with leucine, which is neutral and non-polar, at codon 3857 of the APOB protein (p.Val3857Leu). This variant is not present in population databases (gnomAD no frequency). This variant has not been reported in the literature in individuals affected with APOB-related conditions. ClinVar contains an entry for this variant (Variation ID: 918376). Algorithms developed to predict the effect of missense changes on protein structure and function output the following: SIFT: "Tolerated"; PolyPhen-2: "Benign"; Align-GVGD: "Class C0". The leucine amino acid residue is found in multiple mammalian species, which suggests that this missense change does not adversely affect protein function. In summary, the available evidence is currently insufficient to determine the role of this variant in disease. Therefore, it has been classified as a Variant of Uncertain Significance.